The following is an entry in ClinVar:

NM_006767.4(LZTR1):c.1597A>G (p.Ile533Val)

Gene: LZTR1 (leucine zipper like post translational regulator 1; plus strand). Cytogenetic location: 22q11.21.
Variant type: single nucleotide variant.
Coding change: c.1597A>G on transcript NM_006767.4 (MANE Select); coding-DNA position 1597, A replaced by G.
Protein change: p.Ile533Val; replaces isoleucine 533 with valine.
Molecular consequence: missense variant.
Genome position (GRCh38, 1-based): chr22:20,994,251, A>G. VCF-style: chr22-20994251-A-G. GRCh37 (hg19) VCF-style: chr22-21348540-A-G.
Other names: c.1597A>G (NM_006767.3); short protein forms I533V.
Identifiers: ClinVar variation 3618046 (VCV003618046.3).

ClinVar aggregate classification (germline): Uncertain significance. Review status: criteria provided, multiple submitters, no conflicts (2 of 4 stars). 2 submissions from 2 submitters: Uncertain significance (2). Last evaluated 2025-04-10.

Conditions:
Cardiovascular phenotype. Identifiers: MedGen CN230736.
Hereditary cancer-predisposing syndrome. Also called: Hereditary Cancer Syndrome; Neoplastic Syndromes, Hereditary; Tumor predisposition; Hereditary neoplastic syndrome. Identifiers: Orphanet 140162, MedGen C0027672, MeSH D009386, MONDO:0015356.

gnomAD v4.1: 1 of 1,598,826 alleles (0.000063%); highest among the groups gnomAD compares: African/African-American, 0.0013%; no homozygotes.

Submissions (2):

Ambry Genetics
Classification: Uncertain significance for Cardiovascular phenotype; Hereditary cancer-predisposing syndrome. Last evaluated: 2025-04-10. Review status: criteria provided, single submitter. Criteria: Ambry Variant Classification Scheme 2023. Collection method: clinical testing. Allele origin: germline.
Comment: The p.I533V variant (also known as c.1597A>G), located in coding exon 14 of the LZTR1 gene, results from an A to G substitution at nucleotide position 1597. The isoleucine at codon 533 is replaced by valine, an amino acid with highly similar properties. This amino acid position is highly conserved in available vertebrate species. In addition, this alteration is predicted to be tolerated by in silico analysis. Based on the available evidence, the clinical significance of this variant remains unclear.

Labcorp Genetics (formerly Invitae), Labcorp
Classification: Uncertain significance. Last evaluated: 2024-06-18. Review status: criteria provided, single submitter. Criteria: Invitae Variant Classification Sherloc (09022015). Collection method: clinical testing. Allele origin: germline.
Comment: This sequence change replaces isoleucine, which is neutral and non-polar, with valine, which is neutral and non-polar, at codon 533 of the LZTR1 protein (p.Ile533Val). This variant is not present in population databases (gnomAD no frequency). This variant has not been reported in the literature in individuals affected with LZTR1-related conditions. Advanced modeling of protein sequence and biophysical properties (such as structural, functional, and spatial information, amino acid conservation, physicochemical variation, residue mobility, and thermodynamic stability) performed at Invitae indicates that this missense variant is not expected to disrupt LZTR1 protein function with a negative predictive value of 80%. Algorithms developed to predict the effect of sequence changes on RNA splicing suggest that this variant may disrupt the consensus splice site. In summary, the available evidence is currently insufficient to determine the role of this variant in disease. Therefore, it has been classified as a Variant of Uncertain Significance.